The following is an entry in ClinVar:

ClinVar aggregate classification (germline): Uncertain significance. Review status: criteria provided, multiple submitters, no conflicts (2 of 4 stars). 3 submissions from 3 submitters: Uncertain significance (3). Last evaluated 2024-05-11.

Conditions:
Hereditary cancer-predisposing syndrome. Also called: Neoplastic Syndromes, Hereditary; Tumor predisposition; Hereditary Cancer Syndrome; Hereditary neoplastic syndrome. Identifiers: Orphanet 140162, MedGen C0027672, MeSH D009386, MONDO:0015356.
Familial cancer of breast. Also called: BREAST CANCER, FAMILIAL; Hereditary breast cancer; hereditary breast carcinoma. Identifiers: Orphanet 227535, MedGen C0346153, MONDO:0016419, OMIM 114480. Disease mechanism: loss of function.

Submissions (3):

Labcorp Genetics (formerly Invitae), Labcorp
Classification: Uncertain significance for Familial cancer of breast. Last evaluated: 2024-05-11. Review status: criteria provided, single submitter. Criteria: Invitae Variant Classification Sherloc (09022015). Collection method: clinical testing. Allele origin: germline.
Comment: This variant, c.3552_*11del, is a complex sequence change that results in the deletion of 3 and insertion of 1 amino acid(s) in the PALB2 protein (p.His1184_Ser1186delinsGln). This variant is not present in population databases (gnomAD no frequency). This variant has not been reported in the literature in individuals affected with PALB2-related conditions. ClinVar contains an entry for this variant (Variation ID: 920336). Experimental studies and prediction algorithms are not available or were not evaluated, and the functional significance of this variant is currently unknown. This variant disrupts the WD40-like repeats of the PALB2 protein, which are required for interactions with the BRCA2, POLH, and RAD51C proteins (PMID: 24141787, 24485656). While functional studies have not been performed to directly test the effect of this variant on PALB2 protein function, this suggests that disruption of this region of the protein is causative of disease. In summary, the available evidence is currently insufficient to determine the role of this variant in disease. Therefore, it has been classified as a Variant of Uncertain Significance.

Ambry Genetics
Classification: Uncertain significance for Hereditary cancer-predisposing syndrome. Last evaluated: 2021-04-19. Review status: criteria provided, single submitter. Criteria: Ambry Variant Classification Scheme 2023. Collection method: clinical testing. Allele origin: germline.
Comment: The c.3552_*11del21 variant, located in coding exon 13 of the PALB2 gene, results from a deletion of 21 nucleotides at nucleotide position 3552, causing a translational frameshift with a predicted alternate stop (p.H1184Qfs*2). This alteration occurs at the 3' terminus of thePALB2 gene, is not expected to trigger nonsense-mediated mRNAdecay, and only impacts the last 3 amino acids of the protein. The exact functional effect of this alteration is unknown. Since supporting evidence is limited at this time, the clinical significance of this alteration remains unclear.

Color Diagnostics, LLC DBA Color Health
Classification: Uncertain significance for Hereditary cancer-predisposing syndrome. Last evaluated: 2019-12-23. Review status: criteria provided, single submitter. Criteria: ACMG Guidelines, 2015. Collection method: clinical testing. Allele origin: germline.
Comment: This variant deletes 21 nucleotides in exon 13 and 3' untranslated region of the PALB2 gene, causing a deletion of 3 amino acids in the last exon and addition of 1 amino acid before introducing a stop codon. To our knowledge, functional studies have not been performed for this variant. This variant has not been reported in individuals affected with hereditary cancer in the literature. This variant has not been identified in the general population by the Genome Aggregation Database (gnomAD). The available evidence is insufficient to determine the role of this variant in disease conclusively. Therefore, this variant is classified as a Variant of Uncertain Significance.

Literature cited by the submitters: PubMed 24141787 (cited by Labcorp Genetics (formerly Invitae), Labcorp); PubMed 24485656 (cited by Labcorp Genetics (formerly Invitae), Labcorp).

NM_024675.4(PALB2):c.3552_*11del (p.His1184_Ter1187delinsXaa)

Gene: PALB2 (partner and localizer of BRCA2; minus strand). Cytogenetic location: 16p12.2.
Variant type: Deletion.
Coding change: c.3552_*11del on transcript NM_024675.4 (MANE Select); coding-DNA position 3552 through 11 bases downstream of the stop codon, 21 bases deleted (CTATTCATAAGTTAGGGTAAA).
Protein change: p.His1184_Ter1187delinsXaa.
Molecular consequence: stop lost.
Genome position (GRCh38, 1-based): chr16:23,603,448-23,603,468, TTTACCCTAACTTATGAATAG deleted on the plus strand (CTATTCATAAGTTAGGGTAAA on the coding strand, the reverse complement: PALB2 is on the minus strand); deleting any 21 consecutive bases within chr16:23,603,448-23,603,469 gives the same sequence; the c. name uses the placement nearest the transcript's 3' end. VCF-style (leftmost placement, unchanged base first): chr16-23603447-CTTTACCCTAACTTATGAATAG-C. GRCh37 (hg19) VCF-style: chr16-23614768-CTTTACCCTAACTTATGAATAG-C.
Other names: c.3552_*11del21 (NM_024675.3).
Identifiers: ClinVar variation 920336 (VCV000920336.7), dbSNP rs1966393963, ClinGen allele CA1139664608.